The following is an entry in ClinVar:

ClinVar aggregate classification (germline): Uncertain significance (1 of 4 stars; one submission).

Allele frequency attached by ClinVar (database versions not stated): TOPMed below 0.00001; gnomAD 0.00001; gnomAD exomes 0.00001.
gnomAD v4.1: 10 of 1,433,460 alleles (0.0007%); highest among the groups gnomAD compares: Admixed American, 0.0017%; no homozygotes.

Submission:

Labcorp Genetics (formerly Invitae), Labcorp
Classification: Uncertain significance. Last evaluated: 2022-06-04. Review status: criteria provided, single submitter. Criteria: Invitae Variant Classification Sherloc (09022015). Collection method: clinical testing. Allele origin: germline.
Comment: In summary, the available evidence is currently insufficient to determine the role of this variant in disease. Therefore, it has been classified as a Variant of Uncertain Significance. Variants that disrupt the consensus splice site are a relatively common cause of aberrant splicing (PMID: 17576681, 9536098). Algorithms developed to predict the effect of sequence changes on RNA splicing suggest that this variant is not likely to affect RNA splicing. This variant has not been reported in the literature in individuals affected with HMCN1-related conditions. This variant is not present in population databases (gnomAD no frequency). This sequence change falls in intron 14 of the HMCN1 gene. It does not directly change the encoded amino acid sequence of the HMCN1 protein. It affects a nucleotide within the consensus splice site.

Literature cited by the submitters: PubMed 17576681; PubMed 9536098.

NM_031935.3(HMCN1):c.2212+4C>T

Gene: HMCN1 (hemicentin 1; plus strand). Cytogenetic location: 1q31.1.
Variant type: single nucleotide variant.
Coding change: c.2212+4C>T on transcript NM_031935.3 (MANE Select); 4 bases into the intron after coding-DNA position 2212, C replaced by T.
Molecular consequence: intron variant.
Genome position (GRCh38, 1-based): chr1:185,965,919, C>T. VCF-style: chr1-185965919-C-T. GRCh37 (hg19) VCF-style: chr1-185935051-C-T.
Identifiers: ClinVar variation 2158560 (VCV002158560.4), dbSNP rs764953035, ClinGen allele CA33459529.